The following is an entry in ClinVar:

NM_000179.3(MSH6):c.2243A>G (p.Asn748Ser)

Gene: MSH6 (mutS homolog 6; plus strand). Cytogenetic location: 2p16.3.
Variant type: single nucleotide variant.
Coding change: c.2243A>G on transcript NM_000179.3 (MANE Select); coding-DNA position 2243, A replaced by G.
Protein change: p.Asn748Ser; replaces asparagine 748 with serine.
Molecular consequence: missense variant.
Genome position (GRCh38, 1-based): chr2:47,800,226, A>G. VCF-style: chr2-47800226-A-G. GRCh37 (hg19) VCF-style: chr2-48027365-A-G.
Other names: c.1853A>G, p.Asn618Ser (NM_001281492.2); c.1337A>G, p.Asn446Ser (NM_001281493.2, NM_001281494.2); short protein forms N446S, N618S, N748S.
Identifiers: ClinVar variation 948777 (VCV000948777.13), dbSNP rs1669438423, ClinGen allele CA346752616.

ClinVar aggregate classification (germline): Uncertain significance. Review status: criteria provided, multiple submitters, no conflicts (2 of 4 stars). 3 submissions from 3 submitters: Uncertain significance (3). Last evaluated 2023-10-09.

Conditions:
Hereditary nonpolyposis colorectal neoplasms. Identifiers: MedGen C0009405, MeSH D003123.
Hereditary cancer-predisposing syndrome. Also called: Hereditary neoplastic syndrome; Neoplastic Syndromes, Hereditary; Tumor predisposition; Hereditary Cancer Syndrome. Identifiers: Orphanet 140162, MedGen C0027672, MeSH D009386, MONDO:0015356.
Endometrial carcinoma. Also called: Endometrial carcinoma, somatic. Identifiers: MedGen C0476089, MONDO:0002447, OMIM 608089, HP:0012114.

Submissions (3):

Labcorp Genetics (formerly Invitae), Labcorp
Classification: Uncertain significance for Hereditary nonpolyposis colorectal neoplasms. Last evaluated: 2023-10-09. Review status: criteria provided, single submitter. Criteria: Invitae Variant Classification Sherloc (09022015). Collection method: clinical testing. Allele origin: germline.
Comment: This sequence change replaces asparagine, which is neutral and polar, with serine, which is neutral and polar, at codon 748 of the MSH6 protein (p.Asn748Ser). This variant is not present in population databases (gnomAD no frequency). This variant has not been reported in the literature in individuals affected with MSH6-related conditions. ClinVar contains an entry for this variant (Variation ID: 948777). Advanced modeling of protein sequence and biophysical properties (such as structural, functional, and spatial information, amino acid conservation, physicochemical variation, residue mobility, and thermodynamic stability) performed at Invitae indicates that this missense variant is not expected to disrupt MSH6 protein function. In summary, the available evidence is currently insufficient to determine the role of this variant in disease. Therefore, it has been classified as a Variant of Uncertain Significance.

Baylor Genetics
Classification: Uncertain significance for Endometrial carcinoma. Last evaluated: 2023-09-19. Review status: criteria provided, single submitter. Criteria: ACMG Guidelines, 2015. Collection method: clinical testing. Allele origin: unknown.

Ambry Genetics
Classification: Uncertain significance for Hereditary cancer-predisposing syndrome. Last evaluated: 2022-01-15. Review status: criteria provided, single submitter. Criteria: Ambry Variant Classification Scheme 2023. Collection method: clinical testing. Allele origin: germline.
Comment: The p.N748S variant (also known as c.2243A>G), located in coding exon 4 of the MSH6 gene, results from an A to G substitution at nucleotide position 2243. The asparagine at codon 748 is replaced by serine, an amino acid with highly similar properties. This amino acid position is conserved. In addition, the in silico prediction for this alteration is inconclusive. Since supporting evidence is limited at this time, the clinical significance of this alteration remains unclear.